The following is an entry in ClinVar:

ClinVar aggregate classification (germline): Uncertain significance. Review status: criteria provided, multiple submitters, no conflicts (2 of 4 stars). 5 submissions from 4 submitters: Uncertain significance (4). 1 of the submissions does not count toward it. Last evaluated 2022-06-15.

Conditions:
Hereditary cancer-predisposing syndrome. Also called: Tumor predisposition; Hereditary neoplastic syndrome; Neoplastic Syndromes, Hereditary; Hereditary Cancer Syndrome. Identifiers: Orphanet 140162, MedGen C0027672, MeSH D009386, MONDO:0015356.
Cardiovascular phenotype. Identifiers: MedGen CN230736.
Neurofibromatosis, type 1 (NF1). Also called: NEUROFIBROMATOSIS, TYPE I, SOMATIC; Peripheral type neurofibromatosis; Neurofibromatosis, type I; VON RECKLINGHAUSEN DISEASE. Identifiers: Orphanet 636, MedGen C0027831, MONDO:0018975, OMIM 162200. Disease mechanism: loss of function.

Allele frequency attached by ClinVar (database versions not stated): gnomAD exomes below 0.00001; TOPMed 0.00001.

Submissions (5):

Ambry Genetics
Classification: Uncertain significance for Cardiovascular phenotype; Hereditary cancer-predisposing syndrome. Last evaluated: 2022-06-15. Review status: criteria provided, single submitter. Criteria: Ambry Variant Classification Scheme 2023. Collection method: clinical testing. Allele origin: germline.

Genome-Nilou Lab
Classification: Uncertain significance for Neurofibromatosis, type 1. Last evaluated: 2022-03-15. Review status: criteria provided, single submitter. Criteria: ACMG Guidelines, 2015. Collection method: clinical testing. Allele origin: germline. Affected: no.

Labcorp Genetics (formerly Invitae), Labcorp
Classification: Uncertain significance for Neurofibromatosis, type 1. Last evaluated: 2021-05-07. Review status: criteria provided, single submitter. Criteria: Invitae Variant Classification Sherloc (09022015). Collection method: clinical testing. Allele origin: germline.
Comment: This variant is not present in population databases (ExAC no frequency). This variant has not been reported in the literature in individuals with NF1-related conditions. ClinVar contains an entry for this variant (Variation ID: 134884). Advanced modeling of protein sequence and biophysical properties (such as structural, functional, and spatial information, amino acid conservation, physicochemical variation, residue mobility, and thermodynamic stability) performed at Invitae indicates that this missense variant is not expected to disrupt NF1 protein function. In summary, the available evidence is currently insufficient to determine the role of this variant in disease. Therefore, it has been classified as a Variant of Uncertain Significance. This sequence change replaces serine with proline at codon 858 of the NF1 protein (p.Ser858Pro). The serine residue is weakly conserved and there is a moderate physicochemical difference between serine and proline.

Ambry Genetics
Classification: Uncertain significance for Hereditary cancer-predisposing syndrome. Last evaluated: 2015-10-06. Review status: criteria provided, single submitter. Criteria: Ambry Autosomal Dominant and X-Linked criteria (10/2015). Collection method: clinical testing. Allele origin: germline. Observed: 1 variant allele.
Comment: The p.S858P variant (also known as c.2572T>C), located in coding exon 21 of the NF1 gene, results from a T to C substitution at nucleotide position 2572. The serine at codon 858 is replaced by proline, an amino acid with somewhat similar properties. This variant was not reported in population based cohorts in the following databases: Database of Single Nucleotide Polymorphisms (dbSNP), NHLBI Exome Sequencing Project (ESP), and 1000 Genomes Project. In the ESP, this variant was not observed in 6501 samples (13002 alleles) with coverage at this position. To date, this alteration has been detected with an allele frequency of approximately 0.002% (greater than 55000alleles tested) in our clinical cohort.This amino acid position is not well conserved in available vertebrate species. In addition, this alteration is predicted to be tolerated by in silico analysis.Since supporting evidence is limited at this time, the clinical significance of p.S858Premains unclear.

ITMI
No classification provided. Condition: AllHighlyPenetrant. Last evaluated: 2013-09-19. Review status: no classification provided. Collection method: reference population. Allele origin: germline. Not counted in ClinVar's aggregate classification.
Comment: Please see associated publication for description of ethnicities

Literature cited by the submitters: PubMed 24728327 (cited by ITMI).

NM_001042492.3(NF1):c.2572T>C (p.Ser858Pro)

Gene: NF1 (neurofibromin 1; plus strand). Cytogenetic location: 17q11.2.
Variant type: single nucleotide variant.
Coding change: c.2572T>C on transcript NM_001042492.3 (MANE Select); coding-DNA position 2572, T replaced by C.
Protein change: p.Ser858Pro; replaces serine 858 with proline.
Molecular consequence: missense variant.
Genome position (GRCh38, 1-based): chr17:31,229,187, T>C. VCF-style: chr17-31229187-T-C. GRCh37 (hg19) VCF-style: chr17-29556205-T-C.
Other names: c.2572T>C, p.Ser858Pro (NM_000267.4); short protein forms S858P.
Identifiers: ClinVar variation 134884 (VCV000134884.12), dbSNP rs587778550, ClinGen allele CA161035.
Genomic context (GRCh38, chr17:31,229,187, plus strand): 5'-ATCAACATGACTGGCTTCCTTTGTGCCCTTGGGGGAGTGTGCCTCCAGCAGAGAAGCAAT[T>C]CTGGCCTGGCAACCTATAGCCCACCCATGGGTCCAGTCAGTGAACGTAAGGGTTCTATGA-3'
Protein context (NP_001035957.1, residues 848-868): GGVCLQQRSN[Ser858Pro]GLATYSPPMG